The following is an entry in ClinVar:

NM_015330.6(SPECC1L):c.588C>T (p.Asp196=)

Genes: SPECC1L (sperm antigen with calponin homology and coiled-coil domains 1 like; plus strand), SPECC1L-ADORA2A (SPECC1L-ADORA2A readthrough (NMD candidate); plus strand). Cytogenetic location: 22q11.23.
Variant type: single nucleotide variant.
Coding change: c.588C>T on transcript NM_015330.6 (MANE Select); coding-DNA position 588, C replaced by T.
Protein change: p.Asp196=; no amino-acid change (aspartic acid 196 retained).
Molecular consequence: synonymous variant. On other transcripts: non-coding transcript variant (1).
Genome position (GRCh38, 1-based): chr22:24,321,568, C>T. VCF-style: chr22-24321568-C-T. GRCh37 (hg19) VCF-style: chr22-24717536-C-T.
Other names: c.588C>T, p.Asp196= (NM_001145468.4, NM_001254732.3).
Identifiers: ClinVar variation 2652994 (VCV002652994.24), dbSNP rs769342341, ClinGen allele CA10151984.
Genomic context (GRCh38, chr22:24,321,568, plus strand): 5'-TGACAGAGCTGCTTTGGAGGCCAAAGTGAAGGATCTTCTCACGCTGGCAAAAACCAAAGA[C>T]GTAGAAATTTTACATTTGAGAAATGAACTGCGAGACATGCGTGCCCAGCTGGGCATTAAT-3'
Protein context (NP_056145.5, residues 186-206): KDLLTLAKTK[Asp196=]VEILHLRNEL

ClinVar aggregate classification (germline): Likely benign (1 of 4 stars; one submission).

Allele frequency attached by ClinVar (database versions not stated): ExAC 0.00001; gnomAD exomes 0.00001.
gnomAD v4.1: 18 of 1,614,158 alleles (0.0011%); highest among the groups gnomAD compares: Middle Eastern, 0.033%; no homozygotes.

Submission:

CeGaT Center for Human Genetics Tuebingen
Classification: Likely benign. Last evaluated: 2023-03-01. Review status: criteria provided, single submitter. Criteria: CeGaT Center For Human Genetics Tuebingen Variant Classification Criteria Version 2. Collection method: clinical testing. Allele origin: germline. Affected: yes. Observed: 1 variant allele.
Comment: SPECC1L: BP4, BP7